The following is an entry in ClinVar:

ClinVar aggregate classification (germline): Uncertain significance. Review status: criteria provided, multiple submitters, no conflicts (2 of 4 stars). 2 submissions from 2 submitters: Uncertain significance (2). Last evaluated 2025-03-31.

Conditions:
Familial thoracic aortic aneurysm and aortic dissection (TAAD). Also called: Thoracic aortic aneurysms and dissections. Identifiers: Orphanet 91387, MedGen C4707243, MONDO:0019625.

gnomAD v4.1: 30 of 1,542,622 alleles (0.0019%); highest among the groups gnomAD compares: Non-Finnish European, 0.0026%; no homozygotes.

Submissions (2):

Ambry Genetics
Classification: Uncertain significance for Familial thoracic aortic aneurysm and aortic dissection. Last evaluated: 2025-03-31. Review status: criteria provided, single submitter. Criteria: Ambry Variant Classification Scheme 2023. Collection method: clinical testing. Allele origin: germline.
Comment: The p.T805K variant (also known as c.2414C>A), located in coding exon 15 of the NOTCH1 gene, results from a C to A substitution at nucleotide position 2414. The threonine at codon 805 is replaced by lysine, an amino acid with similar properties. This amino acid position is conserved. In addition, the in silico prediction for this alteration is inconclusive. Since supporting evidence is limited at this time, the clinical significance of this alteration remains unclear.

GeneDx
Classification: Uncertain significance. Last evaluated: 2023-10-26. Review status: criteria provided, single submitter. Criteria: GeneDx Variant Classification Process June 2021. Collection method: clinical testing. Allele origin: germline. Affected: yes.
Comment: Not observed at significant frequency in large population cohorts (gnomAD); In silico analysis supports that this missense variant has a deleterious effect on protein structure/function; Has not been previously published as pathogenic or benign to our knowledge

NM_017617.5(NOTCH1):c.2414C>A (p.Thr805Lys)

Gene: NOTCH1 (notch receptor 1; minus strand). Cytogenetic location: 9q34.3.
Variant type: single nucleotide variant.
Coding change: c.2414C>A on transcript NM_017617.5 (MANE Select); coding-DNA position 2414, C replaced by A.
Protein change: p.Thr805Lys; replaces threonine 805 with lysine.
Molecular consequence: missense variant.
Genome position (GRCh38, 1-based): chr9:136,513,074, G>T on the plus strand (C>A on the coding strand, the complement: NOTCH1 is on the minus strand). VCF-style: chr9-136513074-G-T. GRCh37 (hg19) VCF-style: chr9-139407526-G-T.
Other names: short protein forms T805K.
Identifiers: ClinVar variation 1790924 (VCV001790924.4), dbSNP rs374937899, ClinGen allele CA375556512.